The following is an entry in ClinVar:

ClinVar aggregate classification (germline): Likely benign (0 of 4 stars; one submission).

Conditions:
DNAH6-related disorder. Also called: DNAH6-related condition.

Allele frequency attached by ClinVar (database versions not stated): gnomAD exomes 0.00012; ExAC 0.00017; ESP Exome Variant Server 0.00023; TOPMed 0.00036; gnomAD 0.00040; 1000 Genomes Project 0.00120; 1000 Genomes Project 30x 0.00141.
gnomAD v4.1: 237 of 1,610,172 alleles (0.015%); highest among the groups gnomAD compares: Middle Eastern, 0.18%; no homozygotes.

Submission:

PreventionGenetics, part of Exact Sciences
Classification: Likely benign for DNAH6-related condition. Last evaluated: 2024-05-19. Review status: no assertion criteria provided. Collection method: clinical testing. Allele origin: germline.
Comment: This variant is classified as likely benign based on ACMG/AMP sequence variant interpretation guidelines (Richards et al. 2015 PMID: 25741868, with internal and published modifications).

NM_001370.2(DNAH6):c.1773G>A (p.Lys591=)

Gene: DNAH6 (dynein axonemal heavy chain 6; plus strand). Cytogenetic location: 2p11.2.
Variant type: single nucleotide variant.
Coding change: c.1773G>A on transcript NM_001370.2 (MANE Select); coding-DNA position 1773, G replaced by A.
Protein change: p.Lys591=; no amino-acid change (lysine 591 retained).
Molecular consequence: synonymous variant.
Genome position (GRCh38, 1-based): chr2:84,557,905, G>A. VCF-style: chr2-84557905-G-A. GRCh37 (hg19) VCF-style: chr2-84785029-G-A.
Identifiers: ClinVar variation 3045980 (VCV003045980.2), dbSNP rs142159263, ClinGen allele CA1736766.
Genomic context (GRCh38, chr2:84,557,905, plus strand): 5'-ACTTGAAGGAAAAACCTGTGGAACTGGGCCAAGTTTAGCAGCAGTATTTGAGGATGATAA[G>A]AATTTTCACACAATTATTTCTCAAATAAAGGTATGTTTACTCTGACTAAAACTATTCTAT-3'
Protein context (NP_001361.1, residues 581-601): PSLAAVFEDD[Lys591=]NFHTIISQIK